The following is an entry in ClinVar:

NM_000368.5(TSC1):c.1995C>G (p.Asn665Lys)

Gene: TSC1 (TSC complex subunit 1; minus strand). Cytogenetic location: 9q34.13.
Variant type: single nucleotide variant.
Coding change: c.1995C>G on transcript NM_000368.5 (MANE Select); coding-DNA position 1995, C replaced by G.
Protein change: p.Asn665Lys; replaces asparagine 665 with lysine.
Molecular consequence: missense variant.
Genome position (GRCh38, 1-based): chr9:132,905,583, G>C on the plus strand (C>G on the coding strand, the complement: TSC1 is on the minus strand). VCF-style: chr9-132905583-G-C. GRCh37 (hg19) VCF-style: chr9-135780970-G-C.
Other names: c.1992C>G, p.Asn664Lys (NM_001162426.2); c.1842C>G, p.Asn614Lys (NM_001162427.2); c.1632C>G, p.Asn544Lys (NM_001362177.2); short protein forms N614K, N664K, N544K, N665K.
Identifiers: ClinVar variation 645120 (VCV000645120.13), dbSNP rs748733167, ClinGen allele CA375362220.
Genomic context (GRCh38, chr9:132,905,583, plus strand): 5'-CTGTACTTCACAATAAAATGGACCATTTAACACAGAAGAGAGTGCCCCAGTCCCTTACTT[G>C]TTCAGCTCCTTGCTGTGCGCGTCTGCTCCCTGCTGTATCAGTCTGTCCAGCACTTCCATT-3'
Protein context (NP_000359.1, residues 655-675): QGADAHSKEL[Asn665Lys]KLPLPSKSVD

ClinVar aggregate classification (germline): Conflicting classifications of pathogenicity. Review status: criteria provided, conflicting classifications (1 of 4 stars). 3 submissions from 3 submitters: Uncertain significance (2); Likely benign (1). Last evaluated 2025-11-18.

Conditions:
Tuberous sclerosis 1 (TSC1). Identifiers: Orphanet 805, MedGen C1854465, MONDO:0008612, OMIM 191100.
Hereditary cancer-predisposing syndrome. Also called: Neoplastic Syndromes, Hereditary; Hereditary Cancer Syndrome; Hereditary neoplastic syndrome; Tumor predisposition. Identifiers: Orphanet 140162, MedGen C0027672, MeSH D009386, MONDO:0015356.

Submissions (3):

Ambry Genetics
Classification: Likely benign for Hereditary cancer-predisposing syndrome. Last evaluated: 2025-11-18. Review status: criteria provided, single submitter. Criteria: Ambry Variant Classification Scheme 2023. Collection method: clinical testing. Allele origin: germline.

Labcorp Genetics (formerly Invitae), Labcorp
Classification: Uncertain significance for Tuberous sclerosis 1. Last evaluated: 2025-10-16. Review status: criteria provided, single submitter. Criteria: Invitae Variant Classification Sherloc (09022015). Collection method: clinical testing. Allele origin: germline.
Comment: This sequence change replaces asparagine, which is neutral and polar, with lysine, which is basic and polar, at codon 665 of the TSC1 protein (p.Asn665Lys). This variant is not present in population databases (gnomAD no frequency). This variant has not been reported in the literature in individuals affected with TSC1-related conditions. ClinVar contains an entry for this variant (Variation ID: 645120). Invitae Evidence Modeling of protein sequence and biophysical properties (such as structural, functional, and spatial information, amino acid conservation, physicochemical variation, residue mobility, and thermodynamic stability) indicates that this missense variant is not expected to disrupt TSC1 protein function with a negative predictive value of 95%. In summary, the available evidence is currently insufficient to determine the role of this variant in disease. Therefore, it has been classified as a Variant of Uncertain Significance.

Sema4
Classification: Uncertain significance for Hereditary cancer-predisposing syndrome. Last evaluated: 2021-08-09. Review status: criteria provided, single submitter. Criteria: Sema4 Curation Guidelines. Collection method: curation. Allele origin: germline.
Comment: The TSC1 c.1995C>G (p.N665K) variant has not been reported in the literature to our knowledge. This variant is not reported in the population database Genome Aggregation Database (PMID: 32461654) but is present in ClinVar (Variation ID: 645120). Functional studies have not been performed, and in silico predictions of the variant's effect on protein function are inconclusive. The evidence is insufficient to meet ACMG/AMP criteria for classifying the variant as benign or pathogenic. Thus, the clinical significance of this variant is currently uncertain.